The following is an entry in ClinVar:

NM_000532.5(PCCB):c.135_148del (p.Ala46fs)

Gene: PCCB (propionyl-CoA carboxylase subunit beta; plus strand). Cytogenetic location: 3q22.3.
Variant type: Deletion.
Coding change: c.135_148del on transcript NM_000532.5 (MANE Select); coding-DNA positions 135 to 148, 14 bases deleted (CGCGCTGCTGGGAG).
Protein change: p.Ala46fs; shifts the reading frame from alanine 46.
Molecular consequence: frameshift variant.
Genome position (GRCh38, 1-based): chr3:136,250,510-136,250,523, CGCGCTGCTGGGAG deleted. VCF-style (leftmost placement, unchanged base first): chr3-136250509-CCGCGCTGCTGGGAG-C. GRCh37 (hg19) VCF-style: chr3-135969351-CCGCGCTGCTGGGAG-C.
Other names: c.135_148del, p.Ala46fs (NM_001178014.2); short protein forms A46fs.
Identifiers: ClinVar variation 2762697 (VCV002762697.3), dbSNP rs2529731867, ClinGen allele CA2697556853.
Genomic context (GRCh38, chr3:136,250,509, plus strand): 5'-TCCGCAGCCTTTGCAGCCAGGCCACCTCTGTTAACGAACGCATCGAAAACAAGCGCCGGA[CCGCGCTGCTGGGAG>C]GGGGCCAACGCCGTATTGACGCGCAGCACAAGCGAGTGAGTCCTGAGGGGCCTAAGTGAG-3'

ClinVar aggregate classification (germline): Pathogenic (1 of 4 stars; one submission).

Conditions:
Propionic acidemia (PROP). Also called: GLYCINEMIA, KETOTIC; HYPERGLYCINEMIA WITH KETOACIDOSIS AND LEUKOPENIA; KETOTIC HYPERGLYCINEMIA. Identifiers: Orphanet 35, MedGen C0268579, MONDO:0011628, OMIM 606054, HP:0003571.

Submission:

Labcorp Genetics (formerly Invitae), Labcorp
Classification: Pathogenic for Propionic acidemia. Last evaluated: 2023-09-22. Review status: criteria provided, single submitter. Criteria: Invitae Variant Classification Sherloc (09022015). Collection method: clinical testing. Allele origin: germline.
Comment: For these reasons, this variant has been classified as Pathogenic. This variant has not been reported in the literature in individuals affected with PCCB-related conditions. This variant is not present in population databases (gnomAD no frequency). This sequence change creates a premature translational stop signal (p.Ala46Glyfs*6) in the PCCB gene. It is expected to result in an absent or disrupted protein product. Loss-of-function variants in PCCB are known to be pathogenic (PMID: 15464417).

Literature cited by the submitters: PubMed 15464417.